The following is an entry in ClinVar:

NM_014874.4(MFN2):c.1675C>T (p.Pro559Ser)

Genes: MFN2 (mitofusin 2; plus strand), LOC129929426 (ATAC-STARR-seq lymphoblastoid active region 185; plus strand). Cytogenetic location: 1p36.22.
Variant type: single nucleotide variant.
Coding change: c.1675C>T on transcript NM_014874.4 (MANE Select); coding-DNA position 1675, C replaced by T.
Protein change: p.Pro559Ser; replaces proline 559 with serine.
Molecular consequence: missense variant.
Genome position (GRCh38, 1-based): chr1:12,005,890, C>T. VCF-style: chr1-12005890-C-T. GRCh37 (hg19) VCF-style: chr1-12065947-C-T.
Other names: c.1675C>T, p.Pro559Ser (NM_001127660.2); short protein forms P559S.
Identifiers: ClinVar variation 844127 (VCV000844127.50), dbSNP rs1369308807, ClinGen allele CA338448211.

ClinVar aggregate classification (germline): Uncertain significance. Review status: criteria provided, multiple submitters, no conflicts (2 of 4 stars). 3 submissions from 3 submitters: Uncertain significance (3). Last evaluated 2024-09-28.

Conditions:
Inborn genetic diseases. Identifiers: MedGen C0950123, MeSH D030342.
Charcot-Marie-Tooth disease type 2. Also called: Charcot-Marie-Tooth type 2. Identifiers: Orphanet 64746, MedGen C0270914, MONDO:0018993.

Allele frequency attached by ClinVar (database versions not stated): gnomAD 0.00001 and 0.00002; gnomAD exomes 0.00001 and 0.00002; TOPMed 0.00001.

Submissions (3):

Labcorp Genetics (formerly Invitae), Labcorp
Classification: Uncertain significance for Charcot-Marie-Tooth disease type 2. Last evaluated: 2024-09-28. Review status: criteria provided, single submitter. Criteria: Invitae Variant Classification Sherloc (09022015). Collection method: clinical testing. Allele origin: germline.
Comment: This sequence change replaces proline, which is neutral and non-polar, with serine, which is neutral and polar, at codon 559 of the MFN2 protein (p.Pro559Ser). This variant is present in population databases (no rsID available, gnomAD 0.002%). This variant has not been reported in the literature in individuals affected with MFN2-related conditions. ClinVar contains an entry for this variant (Variation ID: 844127). Invitae Evidence Modeling of protein sequence and biophysical properties (such as structural, functional, and spatial information, amino acid conservation, physicochemical variation, residue mobility, and thermodynamic stability) has been performed for this missense variant. However, the output from this modeling did not meet the statistical confidence thresholds required to predict the impact of this variant on MFN2 protein function. In summary, the available evidence is currently insufficient to determine the role of this variant in disease. Therefore, it has been classified as a Variant of Uncertain Significance.

Ambry Genetics
Classification: Uncertain significance for Inborn genetic diseases. Last evaluated: 2022-12-06. Review status: criteria provided, single submitter. Criteria: Ambry Variant Classification Scheme 2023. Collection method: clinical testing. Allele origin: germline.

CeGaT Center for Human Genetics Tuebingen
Classification: Uncertain significance. Last evaluated: 2019-12-01. Review status: criteria provided, single submitter. Criteria: CeGaT Center For Human Genetics Tuebingen Variant Classification Criteria Version 2. Collection method: clinical testing. Allele origin: germline. Affected: yes. Observed: 1 variant allele.